The following is an entry in ClinVar:

ClinVar aggregate classification (germline): Uncertain significance (1 of 4 stars; one submission).

Conditions:
Hereditary cancer-predisposing syndrome. Also called: Neoplastic Syndromes, Hereditary; Tumor predisposition; Hereditary Cancer Syndrome; Hereditary neoplastic syndrome. Identifiers: Orphanet 140162, MedGen C0027672, MeSH D009386, MONDO:0015356.

Submission:

Ambry Genetics
Classification: Uncertain significance for Hereditary cancer-predisposing syndrome. Last evaluated: 2026-03-08. Review status: criteria provided, single submitter. Criteria: Ambry Variant Classification Scheme 2023. Collection method: clinical testing. Allele origin: germline.
Comment: The p.P202T variant (also known as c.604C>A), located in coding exon 6 of the BRCA2 gene, results from a C to A substitution at nucleotide position 604. The proline at codon 202 is replaced by threonine, an amino acid with highly similar properties. This amino acid position is conserved. In addition, this alteration is predicted to be tolerated by in silico analysis. Based on the available evidence, the clinical significance of this variant remains unclear.

NM_000059.4(BRCA2):c.604C>A (p.Pro202Thr)

Gene: BRCA2 (BRCA2 DNA repair associated; plus strand). Cytogenetic location: 13q13.1.
Variant type: single nucleotide variant.
Coding change: c.604C>A on transcript NM_000059.4 (MANE Select); coding-DNA position 604, C replaced by A.
Protein change: p.Pro202Thr; replaces proline 202 with threonine.
Molecular consequence: missense variant. On other transcripts: non-coding transcript variant (1).
Genome position (GRCh38, 1-based): chr13:32,326,586, C>A. VCF-style: chr13-32326586-C-A. GRCh37 (hg19) VCF-style: chr13-32900723-C-A.
Other names: c.604C>A, p.Pro202Thr (NM_001406719.1, NM_001406720.1, NM_001406721.1 and 1 more transcripts); c.235C>A, p.Pro79Thr (NM_001406722.1); short protein forms P202T, P79T.
Identifiers: ClinVar variation 4826887 (VCV004826887.1).